The following is an entry in ClinVar:

ClinVar aggregate classification (germline): Uncertain significance (1 of 4 stars; one submission).

Submission:

GeneDx
Classification: Uncertain significance. Last evaluated: 2024-08-09. Review status: criteria provided, single submitter. Criteria: GeneDx Variant Classification Process June 2021. Collection method: clinical testing. Allele origin: germline.
Comment: Not observed at significant frequency in large population cohorts (gnomAD); In silico analysis supports that this missense variant has a deleterious effect on protein structure/function; Has not been previously published as pathogenic or benign to our knowledge; Variants in candidate genes are classified as variants of uncertain significance in accordance with ACMG guidelines (PMID: 25741868)

NM_032531.4(KIRREL3):c.621C>G (p.Ser207Arg)

Gene: KIRREL3 (kirre like nephrin family adhesion molecule 3; minus strand). Cytogenetic location: 11q24.2.
Variant type: single nucleotide variant.
Coding change: c.621C>G on transcript NM_032531.4 (MANE Select); coding-DNA position 621, C replaced by G.
Protein change: p.Ser207Arg; replaces serine 207 with arginine.
Molecular consequence: missense variant.
Genome position (GRCh38, 1-based): chr11:126,463,278, G>C on the plus strand (C>G on the coding strand, the complement: KIRREL3 is on the minus strand). VCF-style: chr11-126463278-G-C. GRCh37 (hg19) VCF-style: chr11-126333173-G-C.
Other names: c.621C>G, p.Ser207Arg (NM_001161707.2, NM_001301097.2, NM_001441251.1 and 5 more transcripts); c.729C>G, p.Ser243Arg (NM_001441252.1); c.660C>G, p.Ser220Arg (NM_001441254.1, NM_001441256.1, NM_001441263.1); c.579C>G, p.Ser193Arg (NM_001441255.1, NM_001441259.1, NM_001441260.1); c.471C>G, p.Ser157Arg (NM_001441262.1); short protein forms S157R, S193R, S207R, S220R, S243R.
Identifiers: ClinVar variation 4976704 (VCV004976704.1).